The following is an entry in ClinVar:

ClinVar aggregate classification (germline): Benign (1 of 4 stars; one submission).

Submission:

Laboratory for Molecular Medicine, Mass General Brigham Personalized Medicine
Classification: Benign. Last evaluated: 2016-03-29. Review status: criteria provided, single submitter. Criteria: LMM Criteria. Collection method: clinical testing. Allele origin: germline.
Comment: Variant identified in a genome or exome case(s) and assessed due to predicted null impact of the variant or pathogenic assertions in the literature or databases. Disclaimer: This variant has not undergone full assessment. The following are preliminary notes: Frequency

NM_015132.5(SNX13):c.1954-22_1954-21dup

Gene: SNX13 (sorting nexin 13; minus strand). Cytogenetic location: 7p21.1.
Variant type: Duplication.
Coding change: c.1954-22_1954-21dup on transcript NM_015132.5 (MANE Select); 22 bases into the intron before coding-DNA position 1954 through 21 bases into the intron before coding-DNA position 1954, 2 bases duplicated (TT; older notation c.1954-22_1954-21dupTT).
Molecular consequence: intron variant.
Genome position (GRCh38, 1-based): chr7:17,814,953-17,814,954, AA duplicated on the plus strand (TT on the coding strand, the reverse complement: SNX13 is on the minus strand); duplicating any 2 consecutive bases within chr7:17,814,953-17,814,966 gives the same sequence; the c. name uses the placement nearest the transcript's 3' end. VCF-style (leftmost placement, unchanged base first): chr7-17814952-G-GAA. GRCh37 (hg19) VCF-style: chr7-17854575-G-GAA.
Other names: NM_015132.4:c.1954-10_1954-9dupTT; c.1714-22_1714-21dup (NM_001350863.2); c.1987-22_1987-21dup (NM_001350862.2); c.1648-22_1648-21dup (NM_001350864.2); c.1345-22_1345-21dup (NM_001350867.2, NM_001350866.2).
Identifiers: ClinVar variation 403464 (VCV000403464.4), dbSNP rs34649849, ClinGen allele CA4172587.
Genomic context (GRCh38, chr7:17,814,952, plus strand): 5'-ACATAGTGAGCTAAAGCGGGGGATGCCTTCATCATTTCAGGAGCTAACAGTAACTAACAA[G>GAA]AAAAAAAAAAAAAAGAAGAGATTATCTTAAACTGACAGAATGCTAGAAATTACCATTGTT-3'